The following is an entry in ClinVar:

ClinVar aggregate classification (germline): Uncertain significance (1 of 4 stars; one submission).

Conditions:
Hereditary cancer-predisposing syndrome. Also called: Tumor predisposition; Hereditary Cancer Syndrome; Hereditary neoplastic syndrome; Neoplastic Syndromes, Hereditary. Identifiers: Orphanet 140162, MedGen C0027672, MeSH D009386, MONDO:0015356.

Submission:

Ambry Genetics
Classification: Uncertain significance for Hereditary cancer-predisposing syndrome. Last evaluated: 2024-06-07. Review status: criteria provided, single submitter. Criteria: Ambry Variant Classification Scheme 2023. Collection method: clinical testing. Allele origin: germline.
Comment: The p.L705Q variant (also known as c.2114T>A), located in coding exon 14 of the PDGFRA gene, results from a T to A substitution at nucleotide position 2114. The leucine at codon 705 is replaced by glutamine, an amino acid with dissimilar properties. This amino acid position is conserved. In addition, the in silico prediction for this alteration is inconclusive. Based on the available evidence, the clinical significance of this variant remains unclear.

NM_006206.6(PDGFRA):c.2114T>A (p.Leu705Gln)

Gene: PDGFRA (platelet derived growth factor receptor alpha; plus strand). Cytogenetic location: 4q12.
Variant type: single nucleotide variant.
Coding change: c.2114T>A on transcript NM_006206.6 (MANE Select); coding-DNA position 2114, T replaced by A.
Protein change: p.Leu705Gln; replaces leucine 705 with glutamine.
Molecular consequence: missense variant.
Genome position (GRCh38, 1-based): chr4:54,278,473, T>A. VCF-style: chr4-54278473-T-A. GRCh37 (hg19) VCF-style: chr4-55144640-T-A.
Other names: c.2189T>A, p.Leu730Gln (NM_001347828.2); c.2114T>A, p.Leu705Gln (NM_001347827.2, NM_001347829.2); c.2153T>A, p.Leu718Gln (NM_001347830.2); short protein forms L718Q, L705Q, L730Q.
Identifiers: ClinVar variation 3305487 (VCV003305487.1).
Genomic context (GRCh38, chr4:54,278,473, plus strand): 5'-ATTTGCATAAGAATAGGGATAGCTTCCTGAGCCACCACCCAGAGAAGCCAAAGAAAGAGC[T>A]GGATATCTTTGGATTGAACCCTGCTGATGAAAGCACACGGAGGTGGGTGCAAAGAGAGAT-3'
Protein context (NP_006197.1, residues 695-715): SHHPEKPKKE[Leu705Gln]DIFGLNPADE